The following is an entry in ClinVar:

ClinVar aggregate classification (germline): Conflicting classifications of pathogenicity. Review status: criteria provided, conflicting classifications (1 of 4 stars). 4 submissions from 4 submitters: Uncertain significance (3); Likely benign (1). Last evaluated 2026-08-17.

Conditions:
Inborn genetic diseases. Identifiers: MedGen C0950123, MeSH D030342.
Multiple acyl-CoA dehydrogenase deficiency (MADD). Also called: Glutaric aciduria, type 2; Glutaric acidemia type II; GA 2; ETHYLMALONIC-ADIPICACIDURIA; GA II; Glutaric Acidemia type 2. Identifiers: Orphanet 26791, MedGen C0268596, MONDO:0009282, OMIM 231680.

Allele frequency attached by ClinVar (database versions not stated): ExAC 0.00006; gnomAD exomes 0.00006; ESP Exome Variant Server 0.00038; gnomAD 0.00019 and 0.00023; TOPMed 0.00017.
gnomAD v4.1: 75 of 1,607,596 alleles (0.0047%); highest among the groups gnomAD compares: African/African-American, 0.084%; no homozygotes.

Submissions (4):

Ambry Genetics
Classification: Uncertain significance for Inborn genetic diseases. Last evaluated: 2026-08-17. Review status: criteria provided, single submitter. Criteria: Ambry Variant Classification Scheme 2023. Collection method: clinical testing. Allele origin: germline.
Comment: The c.122G>A (p.R41Q) alteration is located in exon 2 (coding exon 2) of the ETFDH gene. This alteration results from a G to A substitution at nucleotide position 122, causing the arginine (R) at amino acid position 41 to be replaced by a glutamine (Q). Based on data from gnomAD, the A allele has an overall frequency of 0.009% (25/282718) total alleles studied. The highest observed frequency was 0.076% (19/24962) of African alleles. Based on insufficient or conflicting evidence, the clinical significance of this alteration remains unclear.

Labcorp Genetics (formerly Invitae), Labcorp
Classification: Likely benign for Multiple acyl-CoA dehydrogenase deficiency. Last evaluated: 2025-05-06. Review status: criteria provided, single submitter. Criteria: Invitae Variant Classification Sherloc (09022015). Collection method: clinical testing. Allele origin: germline.

GeneDx
Classification: Uncertain significance. Last evaluated: 2023-05-05. Review status: criteria provided, single submitter. Criteria: GeneDx Variant Classification Process June 2021. Collection method: clinical testing. Allele origin: germline. Affected: yes.
Comment: In silico analysis supports that this missense variant has a deleterious effect on protein structure/function; Has not been previously published as pathogenic or benign to our knowledge

Mayo Clinic Laboratories, Mayo Clinic
Classification: Uncertain significance. Last evaluated: 2021-12-07. Review status: criteria provided, single submitter. Criteria: ACMG Guidelines, 2015. Collection method: clinical testing. Allele origin: germline.

NM_004453.4(ETFDH):c.122G>A (p.Arg41Gln)

Gene: ETFDH (electron transfer flavoprotein dehydrogenase; plus strand). Cytogenetic location: 4q32.1.
Variant type: single nucleotide variant.
Coding change: c.122G>A on transcript NM_004453.4 (MANE Select); coding-DNA position 122, G replaced by A.
Protein change: p.Arg41Gln; replaces arginine 41 with glutamine.
Molecular consequence: missense variant. On other transcripts: intron variant (1).
Genome position (GRCh38, 1-based): chr4:158,680,554, G>A. VCF-style: chr4-158680554-G-A. GRCh37 (hg19) VCF-style: chr4-159601706-G-A.
Other names: p.Arg41Gln; c.35-1641G>A (NM_001281737.2); c.122G>A (NM_004453.2); short protein forms R41Q.
Identifiers: ClinVar variation 1568040 (VCV001568040.15), dbSNP rs150105001, ClinGen allele CA3122279.
Genomic context (GRCh38, chr4:158,680,554, plus strand): 5'-TTAAGAAAAATTATCTACCTCTATGTGCTACAAGATGGTCTTCAACTTCTACTGTGCCTC[G>A]AATTACTACCCATTATACTATTTATCCCCGGGATAAGGACAAGAGATGGGAAGGTAAGTA-3'
Protein context (NP_004444.2, residues 31-51): TRWSSTSTVP[Arg41Gln]ITTHYTIYPR